The following is an entry in ClinVar:

NM_004415.4(DSP):c.6698_6708del (p.Val2233fs)

Gene: DSP (desmoplakin; plus strand). Cytogenetic location: 6p24.3.
Variant type: Deletion.
Coding change: c.6698_6708del on transcript NM_004415.4 (MANE Select); coding-DNA positions 6698 to 6708, 11 bases deleted (TCAATGAACTG).
Protein change: p.Val2233fs; shifts the reading frame from valine 2233.
Molecular consequence: frameshift variant.
Genome position (GRCh38, 1-based): chr6:7,583,960-7,583,970, TCAATGAACTG deleted; deleting any 11 consecutive bases within chr6:7,583,956-7,583,970 gives the same sequence; the c. name uses the placement nearest the transcript's 3' end. VCF-style (leftmost placement, unchanged base first): chr6-7583955-CACTGTCAATGA-C. GRCh37 (hg19) VCF-style: chr6-7584188-CACTGTCAATGA-C.
Other names: c.4901_4911del, p.Val1634fs (NM_001008844.3); c.5369_5379del, p.Val1790fs (NM_001319034.2); c.6698_6708delTCAATGAACTG, p.Val2233Glyfs (NM_004415.2); short protein forms V1634fs, V1790fs, V2233fs.
Identifiers: ClinVar variation 3342781 (VCV003342781.3).

ClinVar aggregate classification (germline): Likely pathogenic. Review status: criteria provided, multiple submitters, no conflicts (2 of 4 stars). 2 submissions from 2 submitters: Likely pathogenic (2). Last evaluated 2025-10-17.

Conditions:
Cardiomyopathy (CMYO). Also called: Cardiomyopathies. Identifiers: Orphanet 167848, MedGen C0878544, MONDO:0004994, HP:0001638. Inheritance: Various modes of inheritance.

Submissions (2):

GeneDx
Classification: Likely pathogenic. Last evaluated: 2025-10-17. Review status: criteria provided, single submitter. Criteria: GeneDx Variant Classification Process June 2021. Collection method: clinical testing. Allele origin: germline.
Comment: Frameshift variant predicted to result in protein truncation or nonsense mediated decay in a gene for which loss of function is a known mechanism of disease; Not observed at significant frequency in large population cohorts (gnomAD); Has not been previously published as pathogenic or benign to our knowledge

Color Diagnostics, LLC DBA Color Health
Classification: Likely pathogenic for Cardiomyopathy. Last evaluated: 2025-06-23. Review status: criteria provided, single submitter. Criteria: ACMG Guidelines, 2015. Collection method: clinical testing. Allele origin: germline.
Comment: This variant deletes 11 nucleotides in exon 24 of the DSP gene, creating a frameshift and premature translation stop signal in the last coding exon. This variant is predicted to escape nonsense-mediated decay and be expressed as a truncated protein. Although functional studies have not been reported, this variant alters domain B (a.a. 2244-2446), domain C (a.a. 2609-2822), the linker regions between these domains, as well as amino acids at the C-terminal extremity of the protein have been reported to be essential for coalignment and binding of intermediate filaments (PMID: 12101406, 12802069, 21756917) and is expected to disrupt DSP protein function. In addition, truncating variants occurring downstream of this variant are known to be disease-causing (ClinVar variation ID: 923199, 246676, 3075387). To our knowledge, this variant has not been reported in individuals affected with DSP-related disorders in the literature. This variant has not been identified in the general population by the Genome Aggregation Database (gnomAD). Loss of DSP function is a known mechanism of disease. Based on the available evidence, this variant is classified as Likely Pathogenic.

Literature cited by the submitters: PubMed 12101406 (cited by Color Diagnostics, LLC DBA Color Health); PubMed 12802069 (cited by Color Diagnostics, LLC DBA Color Health); PubMed 21756917 (cited by Color Diagnostics, LLC DBA Color Health).